The following is an entry in ClinVar:

ClinVar aggregate classification (germline): Likely benign. Review status: criteria provided, multiple submitters, no conflicts (2 of 4 stars). 4 submissions from 4 submitters: Likely benign (4). Last evaluated 2026-01-28.

Conditions:
Hyperkalemic periodic paralysis. Also called: Familial hyperkalemic periodic paralysis; Gamstorp disease. Identifiers: Orphanet 682, MedGen C0238357, MONDO:0008224, OMIM 170500, HP:0007215.

Allele frequency attached by ClinVar (database versions not stated): gnomAD exomes 0.00004 and 0.00007; ESP Exome Variant Server 0.00008; ExAC 0.00014; TOPMed 0.00021; gnomAD 0.00022 and 0.00026; 1000 Genomes Project 30x 0.00047; 1000 Genomes Project 0.00060.

Submissions (4):

Labcorp Genetics (formerly Invitae), Labcorp
Classification: Likely benign for Hyperkalemic periodic paralysis. Last evaluated: 2026-01-28. Review status: criteria provided, single submitter. Criteria: Invitae Variant Classification Sherloc (09022015). Collection method: clinical testing. Allele origin: germline.

Revvity Omics, Revvity
Classification: Likely benign. Last evaluated: 2025-03-22. Review status: criteria provided, single submitter. Criteria: ACMG Guidelines, 2015. Collection method: clinical testing. Allele origin: germline.

GeneDx
Classification: Likely benign. Last evaluated: 2017-08-02. Review status: criteria provided, single submitter. Criteria: GeneDx Variant Classification (06012015). Collection method: clinical testing. Allele origin: germline. Affected: yes.
Comment: This variant is considered likely benign or benign based on one or more of the following criteria: it is a conservative change, it occurs at a poorly conserved position in the protein, it is predicted to be benign by multiple in silico algorithms, and/or has population frequency not consistent with disease.

Breakthrough Genomics
Classification: Likely benign. Review status: criteria provided, single submitter. Criteria: ACMG Guidelines, 2015. Collection method: not provided. Allele origin: germline. Inheritance: Autosomal recessive inheritance. Affected: yes.

NM_000334.4(SCN4A):c.2955C>T (p.Pro985=)

Genes: GH-LCR (growth hormone locus control region; plus strand), SCN4A (sodium voltage-gated channel alpha subunit 4; minus strand). Cytogenetic location: 17q23.3.
Variant type: single nucleotide variant.
Coding change: c.2955C>T on transcript NM_000334.4 (MANE Select); coding-DNA position 2955, C replaced by T.
Protein change: p.Pro985=; no amino-acid change (proline 985 retained).
Molecular consequence: synonymous variant.
Genome position (GRCh38, 1-based): chr17:63,949,427, G>A on the plus strand (C>T on the coding strand, the complement: SCN4A is on the minus strand). VCF-style: chr17-63949427-G-A. GRCh37 (hg19) VCF-style: chr17-62026787-G-A.
Identifiers: ClinVar variation 511273 (VCV000511273.22), dbSNP rs375621334, ClinGen allele CA8709445.